The following is an entry in ClinVar:

NM_173495.3(PTCHD1):c.1665G>A (p.Val555=)

Gene: PTCHD1 (patched domain containing 1; plus strand). Cytogenetic location: Xp22.11.
Variant type: single nucleotide variant.
Coding change: c.1665G>A on transcript NM_173495.3 (MANE Select); coding-DNA position 1665, G replaced by A.
Protein change: p.Val555=; no amino-acid change (valine 555 retained).
Molecular consequence: synonymous variant.
Genome position (GRCh38, 1-based): chrX:23,393,183, G>A. VCF-style: chrX-23393183-G-A. GRCh37 (hg19) VCF-style: chrX-23411300-G-A.
Identifiers: ClinVar variation 196594 (VCV000196594.33), dbSNP rs146777271, ClinGen allele CA202459.
Genomic context (GRCh38, chrX:23,393,183, plus strand): 5'-GACACAAACCATTGAGTACACTACTGCCCAGCAAAAGTACTTCAGCAACTACAGTCCTGT[G>A]ATTGGGTTTTACATATATGAGTCTATAGAATACTGGAACACTAGTGTCCAAGAAGATGTT-3'
Protein context (NP_775766.2, residues 545-565): QQKYFSNYSP[Val555=]IGFYIYESIE

ClinVar aggregate classification (germline): Benign/Likely benign. Review status: criteria provided, multiple submitters, no conflicts (2 of 4 stars). 4 submissions from 4 submitters: Benign (2); Likely benign (2). Last evaluated 2024-04-01.

Conditions:
Inborn genetic diseases. Identifiers: MedGen C0950123, MeSH D030342.

Allele frequency attached by ClinVar (database versions not stated): 1000 Genomes Project 30x 0.00021; 1000 Genomes Project 0.00026; ExAC 0.00041; gnomAD 0.00046; ESP Exome Variant Server 0.00047; gnomAD exomes 0.00047 and 0.00076; TOPMed 0.00057.
gnomAD v4.1: 885 of 1,209,825 alleles (0.073%); highest among the groups gnomAD compares: Non-Finnish European, 0.086%; 2 homozygotes.

Submissions (4):

CeGaT Center for Human Genetics Tuebingen
Classification: Likely benign. Last evaluated: 2024-04-01. Review status: criteria provided, single submitter. Criteria: CeGaT Center For Human Genetics Tuebingen Variant Classification Criteria Version 2. Collection method: clinical testing. Allele origin: germline. Affected: yes. Observed: 3 variant alleles.
Comment: PTCHD1: BP4, BP7, BS2

GeneDx
Classification: Benign. Last evaluated: 2021-10-20. Review status: criteria provided, single submitter. Criteria: GeneDx Variant Classification Process June 2021. Collection method: clinical testing. Allele origin: germline. Affected: yes.

Ambry Genetics
Classification: Benign for Inborn genetic diseases. Last evaluated: 2017-09-26. Review status: criteria provided, single submitter. Criteria: Ambry Variant Classification Scheme 2023. Collection method: clinical testing. Allele origin: germline.

Eurofins Ntd Llc (ga)
Classification: Likely benign. Last evaluated: 2015-03-13. Review status: criteria provided, single submitter. Criteria: EGL Classification Definitions 2015. Collection method: clinical testing. Allele origin: germline. Observed: 1 variant allele, 1 heterozygote.